The following is an entry in ClinVar:

NM_002439.5(MSH3):c.1887T>C (p.Tyr629=)

Gene: MSH3 (mutS homolog 3; plus strand). Cytogenetic location: 5q14.1.
Variant type: single nucleotide variant.
Coding change: c.1887T>C on transcript NM_002439.5 (MANE Select); coding-DNA position 1887, T replaced by C.
Protein change: p.Tyr629=; no amino-acid change (tyrosine 629 retained).
Molecular consequence: synonymous variant.
Genome position (GRCh38, 1-based): chr5:80,761,669, T>C. VCF-style: chr5-80761669-T-C. GRCh37 (hg19) VCF-style: chr5-80057488-T-C.
Identifiers: ClinVar variation 724343 (VCV000724343.22), dbSNP rs139201310, ClinGen allele CA3328071.

ClinVar aggregate classification (germline): Benign/Likely benign. Review status: criteria provided, multiple submitters, no conflicts (2 of 4 stars). 7 submissions from 7 submitters: Benign (2); Likely benign (4). 1 of the submissions does not count toward it. Last evaluated 2026-02-04.

Conditions:
Hereditary cancer-predisposing syndrome. Also called: Neoplastic Syndromes, Hereditary; Hereditary neoplastic syndrome; Tumor predisposition; Hereditary Cancer Syndrome. Identifiers: Orphanet 140162, MedGen C0027672, MeSH D009386, MONDO:0015356.
MSH3-related disorder. Also called: MSH3-related condition.

Allele frequency attached by ClinVar (database versions not stated): gnomAD exomes 0.00015 and 0.00044; ExAC 0.00060; 1000 Genomes Project 30x 0.00094; 1000 Genomes Project 0.00120; gnomAD 0.00175 and 0.00193; ESP Exome Variant Server 0.00185; TOPMed 0.00190.
gnomAD v4.1: 488 of 1,614,098 alleles (0.03%); highest among the groups gnomAD compares: African/African-American, 0.6%; 3 homozygotes.

Submissions (7):

Labcorp Genetics (formerly Invitae), Labcorp
Classification: Benign. Last evaluated: 2026-02-04. Review status: criteria provided, single submitter. Criteria: Invitae Variant Classification Sherloc (09022015). Collection method: clinical testing. Allele origin: germline.

Quest Diagnostics Nichols Institute San Juan Capistrano
Classification: Benign. Last evaluated: 2025-05-23. Review status: criteria provided, single submitter. Criteria: Quest Diagnostics criteria. Collection method: clinical testing. Allele origin: unknown.

Center for Genomic Medicine, Rigshospitalet, Copenhagen University Hospital
Classification: Likely benign. Last evaluated: 2025-03-04. Review status: criteria provided, single submitter. Criteria: ACMG Guidelines, 2015. Collection method: clinical testing. Allele origin: germline.

Blueprint Genetics
Classification: Likely benign. Last evaluated: 2024-10-22. Review status: criteria provided, single submitter. Criteria: ACMG Guidelines, 2015. Collection method: clinical testing. Allele origin: germline.

Sema4
Classification: Likely benign for Hereditary cancer-predisposing syndrome. Last evaluated: 2021-04-15. Review status: criteria provided, single submitter. Criteria: Sema4 Curation Guidelines. Collection method: curation. Allele origin: germline.

Ambry Genetics
Classification: Likely benign for Hereditary cancer-predisposing syndrome. Last evaluated: 2018-10-18. Review status: criteria provided, single submitter. Criteria: Ambry Variant Classification Scheme 2023. Collection method: clinical testing. Allele origin: germline.

PreventionGenetics, part of Exact Sciences
Classification: Likely benign for MSH3-related condition. Last evaluated: 2019-12-13. Review status: no assertion criteria provided. Collection method: clinical testing. Allele origin: germline. Not counted in ClinVar's aggregate classification.
Comment: This variant is classified as likely benign based on ACMG/AMP sequence variant interpretation guidelines (Richards et al. 2015 PMID: 25741868, with internal and published modifications).